The following is an entry in ClinVar:

ClinVar aggregate classification (germline): Uncertain significance (1 of 4 stars; one submission).

Conditions:
Bailey-Bloch congenital myopathy (CMYO13). Also called: Native American myopathy; Congenital myopathy 13; STAC3 disorder. Identifiers: Orphanet 168572, MedGen C1850625, MONDO:0009722, OMIM 255995.

Allele frequency attached by ClinVar (database versions not stated): gnomAD exomes below 0.00001.
gnomAD v4.1: 1 of 1,613,906 alleles (0.000062%); highest among the groups gnomAD compares: Non-Finnish European, 0.000085%; no homozygotes.

Submission:

Labcorp Genetics (formerly Invitae), Labcorp
Classification: Uncertain significance for Bailey-Bloch congenital myopathy. Last evaluated: 2022-03-18. Review status: criteria provided, single submitter. Criteria: Invitae Variant Classification Sherloc (09022015). Collection method: clinical testing. Allele origin: germline.
Comment: In summary, the available evidence is currently insufficient to determine the role of this variant in disease. Therefore, it has been classified as a Variant of Uncertain Significance. Algorithms developed to predict the effect of missense changes on protein structure and function are either unavailable or do not agree on the potential impact of this missense change (SIFT: "Deleterious"; PolyPhen-2: "Probably Damaging"; Align-GVGD: "Class C0"). This variant has not been reported in the literature in individuals affected with STAC3-related conditions. This variant is not present in population databases (gnomAD no frequency). This sequence change replaces glutamine, which is neutral and polar, with histidine, which is basic and polar, at codon 336 of the STAC3 protein (p.Gln336His).

NM_145064.3(STAC3):c.1008G>C (p.Gln336His)

Gene: STAC3 (SH3 and cysteine rich domain 3; minus strand). Cytogenetic location: 12q13.3.
Variant type: single nucleotide variant.
Coding change: c.1008G>C on transcript NM_145064.3 (MANE Select); coding-DNA position 1008, G replaced by C.
Protein change: p.Gln336His; replaces glutamine 336 with histidine.
Molecular consequence: missense variant. On other transcripts: non-coding transcript variant (1).
Genome position (GRCh38, 1-based): chr12:57,243,899, C>G on the plus strand (G>C on the coding strand, the complement: STAC3 is on the minus strand). VCF-style: chr12-57243899-C-G. GRCh37 (hg19) VCF-style: chr12-57637682-C-G.
Other names: c.891G>C, p.Gln297His (NM_001286256.2); c.450G>C, p.Gln150His (NM_001286257.2); short protein forms Q150H, Q297H, Q336H.
Identifiers: ClinVar variation 1472502 (VCV001472502.6), dbSNP rs2136821205, ClinGen allele CA385409916.